The following is an entry in ClinVar:

NM_138927.4(SON):c.5569C>A (p.His1857Asn)

Gene: SON (SON DNA and RNA binding protein; plus strand). Cytogenetic location: 21q22.11.
Variant type: single nucleotide variant.
Coding change: c.5569C>A on transcript NM_138927.4 (MANE Select); coding-DNA position 5569, C replaced by A.
Protein change: p.His1857Asn; replaces histidine 1857 with asparagine.
Molecular consequence: missense variant. On other transcripts: non-coding transcript variant (1), intron variant (1).
Genome position (GRCh38, 1-based): chr21:33,554,800, C>A. VCF-style: chr21-33554800-C-A. GRCh37 (hg19) VCF-style: chr21-34927106-C-A.
Other names: c.5569C>A, p.His1857Asn (NM_001291411.2, NM_001412133.1, NM_032195.3 and 2 more transcripts); c.245-2356C>A (NM_001291412.3); short protein forms H1857N.
Identifiers: ClinVar variation 2705907 (VCV002705907.3), dbSNP rs1328817515, ClinGen allele CA410165083.

ClinVar aggregate classification (germline): Uncertain significance (1 of 4 stars; one submission).

Submission:

Labcorp Genetics (formerly Invitae), Labcorp
Classification: Uncertain significance. Last evaluated: 2023-12-27. Review status: criteria provided, single submitter. Criteria: Invitae Variant Classification Sherloc (09022015). Collection method: clinical testing. Allele origin: germline.
Comment: This sequence change replaces histidine, which is basic and polar, with asparagine, which is neutral and polar, at codon 1857 of the SON protein (p.His1857Asn). This variant is not present in population databases (gnomAD no frequency). This variant has not been reported in the literature in individuals affected with SON-related conditions. Experimental studies and prediction algorithms are not available or were not evaluated, and the functional significance of this variant is currently unknown. In summary, the available evidence is currently insufficient to determine the role of this variant in disease. Therefore, it has been classified as a Variant of Uncertain Significance.